The following is an entry in ClinVar:

NM_015450.3(POT1):c.995T>C (p.Leu332Pro)

Gene: POT1 (protection of telomeres 1; minus strand). Cytogenetic location: 7q31.33.
Variant type: single nucleotide variant.
Coding change: c.995T>C on transcript NM_015450.3 (MANE Select); coding-DNA position 995, T replaced by C.
Protein change: p.Leu332Pro; replaces leucine 332 with proline.
Molecular consequence: missense variant. On other transcripts: non-coding transcript variant (3).
Genome position (GRCh38, 1-based): chr7:124,846,953, A>G on the plus strand (T>C on the coding strand, the complement: POT1 is on the minus strand). VCF-style: chr7-124846953-A-G. GRCh37 (hg19) VCF-style: chr7-124487007-A-G.
Other names: c.602T>C, p.Leu201Pro (NM_001042594.2); short protein forms L332P, L201P.
Identifiers: ClinVar variation 1768733 (VCV001768733.6), dbSNP rs2485418360, ClinGen allele CA369053706.

ClinVar aggregate classification (germline): Uncertain significance. Review status: criteria provided, multiple submitters, no conflicts (2 of 4 stars). 2 submissions from 2 submitters: Uncertain significance (2). Last evaluated 2026-05-12.

Conditions:
Tumor predisposition syndrome 3 (TPDS3). Also called: Melanoma, cutaneous malignant, susceptibility to, 10; Glioma susceptibility 9; LONG TELOMERE SYNDROME, POT1-RELATED; POT1 Tumor Predisposition. Identifiers: Orphanet 618, MedGen C4014476, MONDO:0014368, OMIM 615848.
Hereditary cancer-predisposing syndrome. Also called: Neoplastic Syndromes, Hereditary; Tumor predisposition; Hereditary Cancer Syndrome; Hereditary neoplastic syndrome. Identifiers: Orphanet 140162, MedGen C0027672, MeSH D009386, MONDO:0015356.

Submissions (2):

Ambry Genetics
Classification: Uncertain significance for Hereditary cancer-predisposing syndrome. Last evaluated: 2026-05-12. Review status: criteria provided, single submitter. Criteria: Ambry Variant Classification Scheme 2023. Collection method: clinical testing. Allele origin: germline.

Labcorp Genetics (formerly Invitae), Labcorp
Classification: Uncertain significance for Tumor predisposition syndrome 3. Last evaluated: 2025-10-01. Review status: criteria provided, single submitter. Criteria: Invitae Variant Classification Sherloc (09022015). Collection method: clinical testing. Allele origin: germline.
Comment: This sequence change replaces leucine, which is neutral and non-polar, with proline, which is neutral and non-polar, at codon 332 of the POT1 protein (p.Leu332Pro). This variant is not present in population databases (gnomAD no frequency). This variant has not been reported in the literature in individuals affected with POT1-related conditions. ClinVar contains an entry for this variant (Variation ID: 1768733). Invitae Evidence Modeling of protein sequence and biophysical properties (such as structural, functional, and spatial information, amino acid conservation, physicochemical variation, residue mobility, and thermodynamic stability) indicates that this missense variant is not expected to disrupt POT1 protein function with a negative predictive value of 80%. In summary, the available evidence is currently insufficient to determine the role of this variant in disease. Therefore, it has been classified as a Variant of Uncertain Significance.